The following is an entry in ClinVar:

NM_152703.5(SAMD9L):c.4496A>G (p.Lys1499Arg)

Gene: SAMD9L (sterile alpha motif domain containing 9 like; minus strand). Cytogenetic location: 7q21.2.
Variant type: single nucleotide variant.
Coding change: c.4496A>G on transcript NM_152703.5 (MANE Select); coding-DNA position 4496, A replaced by G.
Protein change: p.Lys1499Arg; replaces lysine 1499 with arginine.
Molecular consequence: missense variant.
Genome position (GRCh38, 1-based): chr7:93,131,476, T>C on the plus strand (A>G on the coding strand, the complement: SAMD9L is on the minus strand). VCF-style: chr7-93131476-T-C. GRCh37 (hg19) VCF-style: chr7-92760789-T-C.
Other names: c.4496A>G, p.Lys1499Arg (NM_001303496.3, NM_001303497.3, NM_001303498.3 and 5 more transcripts); short protein forms K1499R.
Identifiers: ClinVar variation 3666302 (VCV003666302.2).

ClinVar aggregate classification (germline): Uncertain significance (1 of 4 stars; one submission).

Submission:

Labcorp Genetics (formerly Invitae), Labcorp
Classification: Uncertain significance. Last evaluated: 2024-09-28. Review status: criteria provided, single submitter. Criteria: Invitae Variant Classification Sherloc (09022015). Collection method: clinical testing. Allele origin: germline.
Comment: This sequence change replaces lysine, which is basic and polar, with arginine, which is basic and polar, at codon 1499 of the SAMD9L protein (p.Lys1499Arg). This variant is not present in population databases (gnomAD no frequency). This variant has not been reported in the literature in individuals affected with SAMD9L-related conditions. Invitae Evidence Modeling of protein sequence and biophysical properties (such as structural, functional, and spatial information, amino acid conservation, physicochemical variation, residue mobility, and thermodynamic stability) indicates that this missense variant is not expected to disrupt SAMD9L protein function with a negative predictive value of 80%. In summary, the available evidence is currently insufficient to determine the role of this variant in disease. Therefore, it has been classified as a Variant of Uncertain Significance.